The following is an entry in ClinVar:

NM_025137.4(SPG11):c.5839G>T (p.Asp1947Tyr)

Gene: SPG11 (SPG11 vesicle trafficking associated, spatacsin; minus strand). Cytogenetic location: 15q21.1.
Variant type: single nucleotide variant.
Coding change: c.5839G>T on transcript NM_025137.4 (MANE Select); coding-DNA position 5839, G replaced by T.
Protein change: p.Asp1947Tyr; replaces aspartic acid 1947 with tyrosine.
Molecular consequence: missense variant.
Genome position (GRCh38, 1-based): chr15:44,583,841, C>A on the plus strand (G>T on the coding strand, the complement: SPG11 is on the minus strand). VCF-style: chr15-44583841-C-A. GRCh37 (hg19) VCF-style: chr15-44876039-C-A.
Other names: c.5839G>T, p.Asp1947Tyr (NM_001160227.2); short protein forms D1947Y.
Identifiers: ClinVar variation 1026681 (VCV001026681.9), dbSNP rs751801619, ClinGen allele CA392220862.

ClinVar aggregate classification (germline): Uncertain significance (1 of 4 stars; one submission).

Conditions:
Hereditary spastic paraplegia 11. Also called: Nakamura Osame syndrome; Autosomal recessive hereditary spastic paraplegia, mental impairment, and thin corpus callosum; Spastic Paraplegia 11; Spastic paraplegia, mental retardation and thin corpus callosum; SPASTIC PARAPLEGIA, AUTOSOMAL RECESSIVE, COMPLICATED, WITH THIN CORPUS CALLOSUM; SPASTIC PARAPLEGIA, AUTOSOMAL RECESSIVE, WITH MENTAL IMPAIRMENT AND THIN CORPUS CALLOSUM. Identifiers: Orphanet 2822, MedGen C1858479, MONDO:0011445, OMIM 604360.

Submission:

Labcorp Genetics (formerly Invitae), Labcorp
Classification: Uncertain significance for Hereditary spastic paraplegia 11. Last evaluated: 2020-06-28. Review status: criteria provided, single submitter. Criteria: Invitae Variant Classification Sherloc (09022015). Collection method: clinical testing. Allele origin: germline.
Comment: In summary, the available evidence is currently insufficient to determine the role of this variant in disease. Therefore, it has been classified as a Variant of Uncertain Significance. This sequence change replaces aspartic acid with tyrosine at codon 1947 of the SPG11 protein (p.Asp1947Tyr). The aspartic acid residue is weakly conserved and there is a large physicochemical difference between aspartic acid and tyrosine. This variant is not present in population databases (ExAC no frequency). This variant has not been reported in the literature in individuals with SPG11-related conditions. Algorithms developed to predict the effect of missense changes on protein structure and function are either unavailable or do not agree on the potential impact of this missense change (SIFT: "Deleterious"; PolyPhen-2: "Benign"; Align-GVGD: "Class C0").